The following is an entry in ClinVar:

NC_000019.9:g.(?_54625856)_(54628055_?)del

Gene: PRPF31 (pre-mRNA processing factor 31; plus strand). Cytogenetic location: 19q13.42.
Variant type: Deletion.
Identifiers: ClinVar variation 3242698 (VCV003242698.1).

ClinVar aggregate classification (germline): Pathogenic (1 of 4 stars; one submission).

Submission:

Labcorp Genetics (formerly Invitae), Labcorp
Classification: Pathogenic. Last evaluated: 2023-07-29. Review status: criteria provided, single submitter. Criteria: Invitae Variant Classification Sherloc (09022015). Collection method: clinical testing. Allele origin: unknown.
Comment: For these reasons, this variant has been classified as Pathogenic. This variant has not been reported in the literature in individuals affected with PRPF31-related conditions. This variant is a gross deletion of the genomic region encompassing exon(s) 5-8 of the PRPF31 gene. This deletion is out-of-frame, and is expected to create a premature termination codon and result in an absent or disrupted protein product. Loss-of-function variants in PRPF31 are known to be pathogenic (PMID: 18317597, 23950152).

Literature cited by the submitters: PubMed 18317597; PubMed 23950152.